The following is an entry in ClinVar:

ClinVar aggregate classification (germline): Uncertain significance (1 of 4 stars; one submission).

Conditions:
Inborn genetic diseases. Identifiers: MedGen C0950123, MeSH D030342.

Submission:

Ambry Genetics
Classification: Uncertain significance for Inborn genetic diseases. Last evaluated: 2026-08-23. Review status: criteria provided, single submitter. Criteria: Ambry Variant Classification Scheme 2023. Collection method: clinical testing. Allele origin: germline.
Comment: The c.489T>G (p.I163M) alteration is located in exon 6 (coding exon 4) of the RFX3 gene. This alteration results from a T to G substitution at nucleotide position 489, causing the isoleucine (I) at amino acid position 163 to be replaced by a methionine (M). Based on data from gnomAD, the G allele has an overall frequency of <0.001% (1/249938) total alleles studied. The highest observed frequency was 0.001% (1/112744) of European (non-Finnish) alleles. Based on insufficient or conflicting evidence, the clinical significance of this alteration remains unclear.

NM_001282116.2(RFX3):c.489T>G (p.Ile163Met)

Gene: RFX3 (regulatory factor X3; minus strand). Cytogenetic location: 9p24.2.
Variant type: single nucleotide variant.
Coding change: c.489T>G on transcript NM_001282116.2 (MANE Select); coding-DNA position 489, T replaced by G.
Protein change: p.Ile163Met; replaces isoleucine 163 with methionine.
Molecular consequence: missense variant.
Genome position (GRCh38, 1-based): chr9:3,301,606, A>C on the plus strand (T>G on the coding strand, the complement: RFX3 is on the minus strand). VCF-style: chr9-3301606-A-C. GRCh37 (hg19) VCF-style: chr9-3301606-A-C.
Other names: c.489T>G, p.Ile163Met (NM_001282117.2, NM_001377999.1, NM_002919.4 and 1 more transcripts); short protein forms I163M.
Identifiers: ClinVar variation 5028228 (VCV005028228.1).